The following is an entry in ClinVar:

ClinVar aggregate classification (germline): Conflicting classifications of pathogenicity. Review status: criteria provided, conflicting classifications (1 of 4 stars). 5 submissions from 5 submitters: Uncertain significance (1); Benign (1); Likely benign (2). 1 of the submissions does not count toward it. Last evaluated 2025-10-23.

Conditions:
COG8-related disorder. Also called: COG8-related condition.
COG8-congenital disorder of glycosylation. Also called: CDG IIh; COG8-CDG. Identifiers: Orphanet 95428, MedGen C1970021, MONDO:0012635, OMIM 611182.

Allele frequency attached by ClinVar (database versions not stated): TOPMed 0.00015; ESP Exome Variant Server 0.00031; gnomAD 0.00041 and 0.00043; gnomAD exomes 0.00046 and 0.00047; ExAC 0.00050.

Submissions (5):

Labcorp Genetics (formerly Invitae), Labcorp
Classification: Benign for COG8-congenital disorder of glycosylation. Last evaluated: 2025-10-23. Review status: criteria provided, single submitter. Criteria: Invitae Variant Classification Sherloc (09022015). Collection method: clinical testing. Allele origin: germline.

Blueprint Genetics
Classification: Likely benign. Last evaluated: 2024-11-22. Review status: criteria provided, single submitter. Criteria: ACMG Guidelines, 2015. Collection method: clinical testing. Allele origin: germline.

Illumina Laboratory Services, Illumina
Classification: Uncertain significance for COG8-congenital disorder of glycosylation. Last evaluated: 2018-01-12. Review status: criteria provided, single submitter. Criteria: ICSL Variant Classification Criteria 13 December 2019. Collection method: clinical testing. Allele origin: germline.

GeneDx
Classification: Likely benign. Last evaluated: 2017-03-28. Review status: criteria provided, single submitter. Criteria: GeneDx Variant Classification (06012015). Collection method: clinical testing. Allele origin: germline. Affected: yes.
Comment: This variant is considered likely benign or benign based on one or more of the following criteria: it is a conservative change, it occurs at a poorly conserved position in the protein, it is predicted to be benign by multiple in silico algorithms, and/or has population frequency not consistent with disease.

PreventionGenetics, part of Exact Sciences
Classification: Likely benign for COG8-related condition. Last evaluated: 2019-10-28. Review status: no assertion criteria provided. Collection method: clinical testing. Allele origin: germline. Not counted in ClinVar's aggregate classification.
Comment: This variant is classified as likely benign based on ACMG/AMP sequence variant interpretation guidelines (Richards et al. 2015 PMID: 25741868, with internal and published modifications).

NM_032382.5(COG8):c.1467C>T (p.Ser489=)

Gene: COG8 (component of oligomeric golgi complex 8; minus strand). Cytogenetic location: 16q22.1.
Variant type: single nucleotide variant.
Coding change: c.1467C>T on transcript NM_032382.5 (MANE Select); coding-DNA position 1467, C replaced by T.
Protein change: p.Ser489=; no amino-acid change (serine 489 retained).
Molecular consequence: synonymous variant. On other transcripts: intron variant (1).
Genome position (GRCh38, 1-based): chr16:69,332,829, G>A on the plus strand (C>T on the coding strand, the complement: COG8 is on the minus strand). VCF-style: chr16-69332829-G-A. GRCh37 (hg19) VCF-style: chr16-69366732-G-A.
Other names: c.1467C>T, p.Ser489= (NM_001374871.1, NM_001379261.1, NM_001379262.1 and 3 more transcripts); c.1413+1692C>T (NM_001379266.1).
Identifiers: ClinVar variation 508007 (VCV000508007.19), dbSNP rs138741747, ClinGen allele CA8133702.
Genomic context (GRCh38, chr16:69,332,829, plus strand): 5'-ATACGGAACAAGGTCTTCCAGGAAGACAGTGCAGAACTGGACAAAGAGCTCTTGCTCCCC[G>A]CTGCTGAAGGCAGCCTCTTCAGCGCGATGGAAGGCCAGGATTATTTTAGTTACCTAAGAG-3'
Protein context (NP_115758.3, residues 479-499): FHRAEEAAFS[Ser489=]GEQELFVQFC